The following is an entry in ClinVar:

NM_004006.3(DMD):c.1556A>G (p.Glu519Gly)

Gene: DMD (dystrophin; minus strand). Cytogenetic location: Xp21.1.
Variant type: single nucleotide variant.
Coding change: c.1556A>G on transcript NM_004006.3 (MANE Select); coding-DNA position 1556, A replaced by G.
Protein change: p.Glu519Gly; replaces glutamic acid 519 with glycine.
Molecular consequence: missense variant.
Genome position (GRCh38, 1-based): chrX:32,595,803, T>C on the plus strand (A>G on the coding strand, the complement: DMD is on the minus strand). VCF-style: chrX-32595803-T-C. GRCh37 (hg19) VCF-style: chrX-32613920-T-C.
Other names: c.1532A>G, p.Glu511Gly (NM_000109.4); c.1544A>G, p.Glu515Gly (NM_004009.3); c.1187A>G, p.Glu396Gly (NM_004010.3); short protein forms E511G, E515G, E519G, E396G.
Identifiers: ClinVar variation 1357727 (VCV001357727.8), dbSNP rs2149264689, ClinGen allele CA412665420.

ClinVar aggregate classification (germline): Uncertain significance (1 of 4 stars; one submission).

Conditions:
Duchenne muscular dystrophy (DMD). Also called: MUSCULAR DYSTROPHY, PSEUDOHYPERTROPHIC PROGRESSIVE, DUCHENNE TYPE; Duchenne Muscular Dystrophy (DMD). Identifiers: Orphanet 98896, MedGen C0013264, MONDO:0010679, OMIM 310200.

gnomAD v4.1: 2 of 1,207,635 alleles (0.00017%); highest among the groups gnomAD compares: Non-Finnish European, 0.00022%; no homozygotes.

Submission:

Labcorp Genetics (formerly Invitae), Labcorp
Classification: Uncertain significance for Duchenne muscular dystrophy. Last evaluated: 2021-05-31. Review status: criteria provided, single submitter. Criteria: Invitae Variant Classification Sherloc (09022015). Collection method: clinical testing. Allele origin: germline.
Comment: In summary, the available evidence is currently insufficient to determine the role of this variant in disease. Therefore, it has been classified as a Variant of Uncertain Significance. Algorithms developed to predict the effect of missense changes on protein structure and function are either unavailable or do not agree on the potential impact of this missense change (SIFT: "Deleterious"; PolyPhen-2: "Possibly Damaging"; Align-GVGD: "Class C15"). This variant has not been reported in the literature in individuals with DMD-related conditions. This variant is not present in population databases (ExAC no frequency). This sequence change replaces glutamic acid with glycine at codon 519 of the DMD protein (p.Glu519Gly). The glutamic acid residue is highly conserved and there is a moderate physicochemical difference between glutamic acid and glycine.